The following is an entry in ClinVar:

ClinVar aggregate classification (germline): Uncertain significance. Review status: criteria provided, multiple submitters, no conflicts (2 of 4 stars). 5 submissions from 5 submitters: Uncertain significance (5). Last evaluated 2026-08-31.

Conditions:
Familial intrahepatic cholestasis. Identifiers: Orphanet 284385, MedGen CN296401, MONDO:0017290.
ABCB4-related disorder. Also called: ABCB4-related disorders; ABCB4-related condition.

Allele frequency attached by ClinVar (database versions not stated): gnomAD exomes below 0.00001; ExAC 0.00001; gnomAD 0.00001; TOPMed 0.00001; ESP Exome Variant Server 0.00008.

Submissions (5):

PreventionGenetics, part of Exact Sciences
Classification: Uncertain significance for ABCB4-related condition. Last evaluated: 2026-08-31. Review status: criteria provided, single submitter. Criteria: ACMG Guidelines, 2015. Collection method: clinical testing. Allele origin: germline.
Comment: The ABCB4 c.911C>A variant is predicted to result in the amino acid substitution p.Ala304Asp. This variant has been reported in the compound heterozygous state in an individual with intrahepatic cholestasis (Table S4, Hertel et al. 2021. PubMed ID: 34016879). This variant is reported in 0.0062% of alleles in individuals of African descent in gnomAD. At this time, the clinical significance of this variant is uncertain due to the absence of conclusive functional and genetic evidence.

Genomenon, Inc
Classification: Uncertain significance for Familial intrahepatic cholestasis. Last evaluated: 2026-04-14. Review status: criteria provided, single submitter. Criteria: Genomenon Sequence Variant Interpretation Standards - Updated. Collection method: curation. Allele origin: germline. Affected: yes.
Comment: ABCB4 p.Ala304Asp (c.911C>A) is a missense variant that changes the amino acid at residue 304 from Alanine to Aspartic acid. This variant has been observed in at least one proband with an ABCB4-related disorder (PMID:34016879). It is absent or not present at a significant frequency in gnomAD. In silico models predict that this variant is possibly or probably damaging. In conclusion, we classify ABCB4 p.Ala304Asp (c.911C>A) as a variant of uncertain significance.

Mayo Clinic Laboratories, Mayo Clinic
Classification: Uncertain significance. Last evaluated: 2025-08-19. Review status: criteria provided, single submitter. Criteria: ACMG Guidelines, 2015. Collection method: clinical testing. Allele origin: germline. Observed: 2 variant alleles.
Comment: PP3, PM2_supporting

Labcorp Genetics (formerly Invitae), Labcorp
Classification: Uncertain significance. Last evaluated: 2022-06-07. Review status: criteria provided, single submitter. Criteria: Invitae Variant Classification Sherloc (09022015). Collection method: clinical testing. Allele origin: germline.
Comment: This sequence change replaces alanine, which is neutral and non-polar, with aspartic acid, which is acidic and polar, at codon 304 of the ABCB4 protein (p.Ala304Asp). This variant is present in population databases (rs374836252, gnomAD 0.007%). This missense change has been observed in individual(s) with cholestasis (PMID: 34016879). ClinVar contains an entry for this variant (Variation ID: 289256). Advanced modeling of protein sequence and biophysical properties (such as structural, functional, and spatial information, amino acid conservation, physicochemical variation, residue mobility, and thermodynamic stability) performed at Invitae indicates that this missense variant is expected to disrupt ABCB4 protein function. In summary, the available evidence is currently insufficient to determine the role of this variant in disease. Therefore, it has been classified as a Variant of Uncertain Significance.

Eurofins Ntd Llc (ga)
Classification: Uncertain significance. Last evaluated: 2016-07-06. Review status: criteria provided, single submitter. Criteria: EGL Classification Definitions 2015. Collection method: clinical testing. Allele origin: germline. Observed: 2 variant alleles, 2 heterozygotes.

Literature cited by the submitters: PubMed 34016879 (cited by 3 submitters).

NM_000443.4(ABCB4):c.911C>A (p.Ala304Asp)

Gene: ABCB4 (ATP binding cassette subfamily B member 4; minus strand). Cytogenetic location: 7q21.12.
Variant type: single nucleotide variant.
Coding change: c.911C>A on transcript NM_000443.4 (MANE Select); coding-DNA position 911, C replaced by A.
Protein change: p.Ala304Asp; replaces alanine 304 with aspartic acid.
Molecular consequence: missense variant.
Genome position (GRCh38, 1-based): chr7:87,447,128, G>T on the plus strand (C>A on the coding strand, the complement: ABCB4 is on the minus strand). VCF-style: chr7-87447128-G-T. GRCh37 (hg19) VCF-style: chr7-87076444-G-T.
Other names: p.Ala304Asp; c.911C>A, p.Ala304Asp (NM_018849.3, NM_018850.3); c.911C>A (NM_000443.3); short protein forms A304D.
Identifiers: ClinVar variation 289256 (VCV000289256.12), dbSNP rs374836252, ClinGen allele CA4327423.
Genomic context (GRCh38, chr7:87,447,128, plus strand): 5'-ATGACTAGAGTGGATCCATACCAGAAGGCCAGTGCATATGATGCATATATTAACAGGAAG[G>T]CAATACCCATGGAAATGTTTGCTGAAATAGCTTTTTTAATTCCAATCTCTTTGGCATTTT-3'
Protein context (NP_000434.1, residues 294-314): AISANISMGI[Ala304Asp]FLLIYASYAL